The following is an entry in ClinVar:

ClinVar aggregate classification (germline): Uncertain significance (1 of 4 stars; one submission).

Conditions:
Hypertrophic cardiomyopathy 26. Also called: Cardiomyopathy, familial hypertrophic, 26. Identifiers: Orphanet 75249, MedGen C4310749, MONDO:0014883, OMIM 617047.
Myofibrillar myopathy 5. Also called: Filaminopathy (type); FILAMINOPATHY, AUTOSOMAL DOMINANT. Identifiers: Orphanet 171445, MedGen C1836050, MONDO:0012289, OMIM 609524.
Distal myopathy with posterior leg and anterior hand involvement. Also called: WILLIAMS DISTAL MYOPATHY. Identifiers: Orphanet 63273, MedGen C3279722, MONDO:0013550, OMIM 614065.

Allele frequency attached by ClinVar (database versions not stated): gnomAD exomes below 0.00001.

Submission:

Labcorp Genetics (formerly Invitae), Labcorp
Classification: Uncertain significance for Distal myopathy with posterior leg and anterior hand involvement; Myofibrillar myopathy 5; Hypertrophic cardiomyopathy 26. Last evaluated: 2023-03-21. Review status: criteria provided, single submitter. Criteria: Invitae Variant Classification Sherloc (09022015). Collection method: clinical testing. Allele origin: germline.
Comment: This sequence change replaces valine, which is neutral and non-polar, with isoleucine, which is neutral and non-polar, at codon 870 of the FLNC protein (p.Val870Ile). This variant is not present in population databases (gnomAD no frequency). This variant has not been reported in the literature in individuals affected with FLNC-related conditions. Advanced modeling of protein sequence and biophysical properties (such as structural, functional, and spatial information, amino acid conservation, physicochemical variation, residue mobility, and thermodynamic stability) has been performed at Invitae for this missense variant, however the output from this modeling did not meet the statistical confidence thresholds required to predict the impact of this variant on FLNC protein function. In summary, the available evidence is currently insufficient to determine the role of this variant in disease. Therefore, it has been classified as a Variant of Uncertain Significance.

NM_001458.5(FLNC):c.2608G>A (p.Val870Ile)

Gene: FLNC (filamin C; plus strand). Cytogenetic location: 7q32.1.
Variant type: single nucleotide variant.
Coding change: c.2608G>A on transcript NM_001458.5 (MANE Select); coding-DNA position 2608, G replaced by A.
Protein change: p.Val870Ile; replaces valine 870 with isoleucine.
Molecular consequence: missense variant.
Genome position (GRCh38, 1-based): chr7:128,843,286, G>A. VCF-style: chr7-128843286-G-A. GRCh37 (hg19) VCF-style: chr7-128483340-G-A.
Other names: c.2608G>A, p.Val870Ile (NM_001127487.2); short protein forms V870I.
Identifiers: ClinVar variation 2943002 (VCV002943002.3), dbSNP rs2536633297, ClinGen allele CA369192482.